The following is an entry in ClinVar:

NM_001130009.3(GEN1):c.968G>T (p.Cys323Phe)

Gene: GEN1 (GEN1 structure-specific endonuclease; plus strand). Cytogenetic location: 2p24.2.
Variant type: single nucleotide variant.
Coding change: c.968G>T on transcript NM_001130009.3 (MANE Select); coding-DNA position 968, G replaced by T.
Protein change: p.Cys323Phe; replaces cysteine 323 with phenylalanine.
Molecular consequence: missense variant.
Genome position (GRCh38, 1-based): chr2:17,773,110, G>T. VCF-style: chr2-17773110-G-T. GRCh37 (hg19) VCF-style: chr2-17954377-G-T.
Other names: c.968G>T, p.Cys323Phe (NM_182625.5); short protein forms C323F.
Identifiers: ClinVar variation 5022337 (VCV005022337.1).

ClinVar aggregate classification (germline): Uncertain significance (1 of 4 stars; one submission).

gnomAD v4.1: 1 of 1,582,438 alleles (0.000063%); highest among the groups gnomAD compares: Non-Finnish European, 0.000087%; no homozygotes.

Submission:

Ambry Genetics
Classification: Uncertain significance. Last evaluated: 2026-08-18. Review status: criteria provided, single submitter. Criteria: Ambry Variant Classification Scheme 2023. Collection method: clinical testing. Allele origin: germline.
Comment: The p.C323F variant (also known as c.968G>T), located in coding exon 8 of the GEN1 gene, results from a G to T substitution at nucleotide position 968. The cysteine at codon 323 is replaced by phenylalanine, an amino acid with highly dissimilar properties. This amino acid position is conserved. In addition, this alteration is predicted to be tolerated by in silico analysis. Based on the available evidence, the clinical significance of this variant remains unclear.